The following is an entry in ClinVar:

NM_000069.3(CACNA1S):c.663G>A (p.Lys221=)

Gene: CACNA1S (calcium voltage-gated channel subunit alpha1 S; minus strand). Cytogenetic location: 1q32.1.
Variant type: single nucleotide variant.
Coding change: c.663G>A on transcript NM_000069.3 (MANE Select); coding-DNA position 663, G replaced by A.
Protein change: p.Lys221=; no amino-acid change (lysine 221 retained).
Molecular consequence: synonymous variant.
Genome position (GRCh38, 1-based): chr1:201,091,671, C>T on the plus strand (G>A on the coding strand, the complement: CACNA1S is on the minus strand). VCF-style: chr1-201091671-C-T. GRCh37 (hg19) VCF-style: chr1-201060799-C-T.
Identifiers: ClinVar variation 2922900 (VCV002922900.4), dbSNP rs1662237951, ClinGen allele CA422815307.

ClinVar aggregate classification (germline): Likely benign. Review status: criteria provided, multiple submitters, no conflicts (2 of 4 stars). 2 submissions from 2 submitters: Likely benign (2). Last evaluated 2024-03-29.

Conditions:
Malignant hyperthermia, susceptibility to, 5 (MHS5). Also called: CACNA1S-Related Malignant Hyperthermia Susceptibility. Identifiers: Orphanet 423, MedGen C1866077, MONDO:0011163, OMIM 601887.
Hypokalemic periodic paralysis, type 1. Also called: Hypokalemic Periodic Paralysis Type 1 (AD); HypoPP. Identifiers: Orphanet 681, MedGen C3714580, MONDO:0042979, OMIM 170400.

Allele frequency attached by ClinVar (database versions not stated): gnomAD exomes below 0.00001; TOPMed 0.00001; gnomAD 0.00002.
gnomAD v4.1: 4 of 1,614,110 alleles (0.00025%); highest among the groups gnomAD compares: African/African-American, 0.0053%; no homozygotes.

Submissions (2):

Labcorp Genetics (formerly Invitae), Labcorp
Classification: Likely benign for Hypokalemic periodic paralysis, type 1; Malignant hyperthermia, susceptibility to, 5. Last evaluated: 2024-03-29. Review status: criteria provided, single submitter. Criteria: Invitae Variant Classification Sherloc (09022015). Collection method: clinical testing. Allele origin: germline.

All of Us Research Program, National Institutes of Health
Classification: Likely benign for Malignant hyperthermia, susceptibility to, 5. Last evaluated: 2023-04-03. Review status: criteria provided, single submitter. Criteria: ACMG Guidelines, 2015. Collection method: clinical testing. Allele origin: germline. Inheritance: Autosomal dominant inheritance. Observed: 1 variant allele, 1 heterozygote.
Comment: This study involves interpretation of variants in research participants for the purpose of population health screening. Participant phenotype was not available at the time of variant classification. Additional details can be found in publication PMID: 35346344, PMCID: PMC8962531